The following is an entry in ClinVar:

ClinVar aggregate classification (germline): Uncertain significance. Review status: criteria provided, multiple submitters, no conflicts (2 of 4 stars). 4 submissions from 4 submitters: Uncertain significance (4). Last evaluated 2026-02-20.

Conditions:
Inborn genetic diseases. Identifiers: MedGen C0950123, MeSH D030342.
Monosomy 7 myelodysplasia and leukemia syndrome 2. Identifiers: MedGen C5436668, MONDO:0030801, OMIM 619041.

Allele frequency attached by ClinVar (database versions not stated): TOPMed 0.00004; gnomAD 0.00003.
gnomAD v4.1: 9 of 1,613,894 alleles (0.00056%); highest among the groups gnomAD compares: African/African-American, 0.008%; no homozygotes.

Submissions (4):

St. Jude Molecular Pathology, St. Jude Children's Research Hospital
Classification: Uncertain significance for Monosomy 7 myelodysplasia and leukemia syndrome 2. Last evaluated: 2026-02-20. Review status: criteria provided, single submitter. Criteria: St. Jude Assertion Criteria 2020. Collection method: clinical testing. Allele origin: germline.
Comment: The SAMD9 c.2202T>A p.(His734Gln) missense change has a maximu m subpopulation frequency of 0.0061% in gnomAD v2.1.1. The in silico tool REVEL predicts a benign effect on protein function, however in silico predictions have not been found to correlate with syndromic risk and are thus not considered supporting evidence of a pathogenic or benign effect (PMID: 34621053). To our knowledge, this variant has not been reported in individuals with SAMD9-associated conditions. In summary, the evidence currently available is insufficient to determine the clinical significance of this variant. It has therefore been classified as of uncertain significance.

Labcorp Genetics (formerly Invitae), Labcorp
Classification: Uncertain significance. Last evaluated: 2025-12-03. Review status: criteria provided, single submitter. Criteria: Invitae Variant Classification Sherloc (09022015). Collection method: clinical testing. Allele origin: germline.
Comment: This sequence change replaces histidine, which is basic and polar, with glutamine, which is neutral and polar, at codon 734 of the SAMD9 protein (p.His734Gln). This variant is present in population databases (no rsID available, gnomAD 0.007%). This variant has not been reported in the literature in individuals affected with SAMD9-related conditions. ClinVar contains an entry for this variant (Variation ID: 1477668). Invitae Evidence Modeling of protein sequence and biophysical properties (such as structural, functional, and spatial information, amino acid conservation, physicochemical variation, residue mobility, and thermodynamic stability) has been performed for this missense variant. However, the output from this modeling did not meet the statistical confidence thresholds required to predict the impact of this variant on SAMD9 protein function. In summary, the available evidence is currently insufficient to determine the role of this variant in disease. Therefore, it has been classified as a Variant of Uncertain Significance.

Ambry Genetics
Classification: Uncertain significance for Inborn genetic diseases. Last evaluated: 2025-03-17. Review status: criteria provided, single submitter. Criteria: Ambry Variant Classification Scheme 2023. Collection method: clinical testing. Allele origin: germline.
Comment: The p.H734Q variant (also known as c.2202T>A), located in coding exon 1 of the SAMD9 gene, results from a T to A substitution at nucleotide position 2202. The histidine at codon 734 is replaced by glutamine, an amino acid with highly similar properties. This amino acid position is conserved. In addition, this alteration is predicted to be tolerated by in silico analysis. Based on the available evidence, the clinical significance of this variant remains unclear.

GeneDx
Classification: Uncertain significance. Last evaluated: 2024-10-01. Review status: criteria provided, single submitter. Criteria: GeneDx Variant Classification Process June 2021. Collection method: clinical testing. Allele origin: germline. Affected: yes.
Comment: Not observed at significant frequency in large population cohorts (gnomAD); In silico analysis indicates that this missense variant does not alter protein structure/function; Has not been previously published as pathogenic or benign to our knowledge; This variant is associated with the following publications: (PMID: 28545555)

NM_017654.4(SAMD9):c.2202T>A (p.His734Gln)

Gene: SAMD9 (sterile alpha motif domain containing 9; minus strand). Cytogenetic location: 7q21.2.
Variant type: single nucleotide variant.
Coding change: c.2202T>A on transcript NM_017654.4 (MANE Select); coding-DNA position 2202, T replaced by A.
Protein change: p.His734Gln; replaces histidine 734 with glutamine.
Molecular consequence: missense variant.
Genome position (GRCh38, 1-based): chr7:93,103,896, A>T on the plus strand (T>A on the coding strand, the complement: SAMD9 is on the minus strand). VCF-style: chr7-93103896-A-T. GRCh37 (hg19) VCF-style: chr7-92733209-A-T.
Other names: c.2202T>A, p.His734Gln (NM_001193307.2); c.2202T>A (NM_017654.3); short protein forms H734Q.
Identifiers: ClinVar variation 1477668 (VCV001477668.7), dbSNP rs756902783, ClinGen allele CA161992075.
Genomic context (GRCh38, chr7:93,103,896, plus strand): 5'-TAGTTCCCAGAGAATGTGCATAGCCAAGGTAGTTCCCCCACAGCCTGGATGATGATACAG[A>T]TGAATAATTTTGGTACTTGTTGGTTTAGAAGAATCTGCACAGTTTTGAATCATTGCTTCA-3'
Protein context (NP_060124.2, residues 724-744): SSKPTSTKII[His734Gln]LYHHPGCGGT